The following is an entry in ClinVar:

NM_000059.4(BRCA2):c.6833T>G (p.Ile2278Ser)

Gene: BRCA2 (BRCA2 DNA repair associated; plus strand). Cytogenetic location: 13q13.1.
Variant type: single nucleotide variant.
Coding change: c.6833T>G on transcript NM_000059.4 (MANE Select); coding-DNA position 6833, T replaced by G.
Protein change: p.Ile2278Ser; replaces isoleucine 2278 with serine.
Molecular consequence: missense variant.
Genome position (GRCh38, 1-based): chr13:32,341,188, T>G. VCF-style: chr13-32341188-T-G. GRCh37 (hg19) VCF-style: chr13-32915325-T-G.
Other names: short protein forms I2278S.
Identifiers: ClinVar variation 449728 (VCV000449728.19), dbSNP rs1555284865, ClinGen allele CA387791489.

ClinVar aggregate classification (germline): Conflicting classifications of pathogenicity. Review status: criteria provided, conflicting classifications (1 of 4 stars). 6 submissions from 6 submitters: Uncertain significance (5); Likely benign (1). Last evaluated 2025-05-07.

Conditions:
Hereditary breast ovarian cancer syndrome. Also called: Hereditary breast and ovarian cancer syndrome; BRCA1- and BRCA2-Associated Hereditary Breast and Ovarian Cancer; Hereditary breast and/or ovarian cancer syndrome; Breast and ovarian cancer; Hereditary breast and ovarian cancer; Hereditary breast and ovarian cancer syndrome (HBOC). Identifiers: Orphanet 145, MedGen C0677776, MeSH D061325, MONDO:0003582. Disease mechanism: loss of function.
BRCA2-related cancer predisposition. Identifiers: MedGen CN377758, MONDO:0700269.
Hereditary cancer-predisposing syndrome. Also called: Neoplastic Syndromes, Hereditary; Hereditary neoplastic syndrome; Hereditary Cancer Syndrome; Tumor predisposition. Identifiers: Orphanet 140162, MedGen C0027672, MeSH D009386, MONDO:0015356.

Submissions (6):

Ambry Genetics
Classification: Uncertain significance for Hereditary cancer-predisposing syndrome. Last evaluated: 2025-05-07. Review status: criteria provided, single submitter. Criteria: Ambry Variant Classification Scheme 2023. Collection method: clinical testing. Allele origin: germline.
Comment: The p.I2278S variant (also known as c.6833T>G), located in coding exon 10 of the BRCA2 gene, results from a T to G substitution at nucleotide position 6833. The isoleucine at codon 2278 is replaced by serine, an amino acid with dissimilar properties. This amino acid position is poorly conserved in available vertebrate species. In addition, this alteration is predicted to be tolerated by in silico analysis. Since supporting evidence is limited at this time, the clinical significance of this alteration remains unclear.

Labcorp Genetics (formerly Invitae), Labcorp
Classification: Uncertain significance for Hereditary breast ovarian cancer syndrome. Last evaluated: 2025-03-25. Review status: criteria provided, single submitter. Criteria: Invitae Variant Classification Sherloc (09022015). Collection method: clinical testing. Allele origin: germline.
Comment: This sequence change replaces isoleucine, which is neutral and non-polar, with serine, which is neutral and polar, at codon 2278 of the BRCA2 protein (p.Ile2278Ser). This variant is not present in population databases (gnomAD no frequency). This variant has not been reported in the literature in individuals affected with BRCA2-related conditions. ClinVar contains an entry for this variant (Variation ID: 449728). Invitae Evidence Modeling of protein sequence and biophysical properties (such as structural, functional, and spatial information, amino acid conservation, physicochemical variation, residue mobility, and thermodynamic stability) indicates that this missense variant is not expected to disrupt BRCA2 protein function with a negative predictive value of 95%. In summary, the available evidence is currently insufficient to determine the role of this variant in disease. Therefore, it has been classified as a Variant of Uncertain Significance.

All of Us Research Program, National Institutes of Health
Classification: Uncertain significance for BRCA2-related cancer predisposition. Last evaluated: 2024-08-06. Review status: criteria provided, single submitter. Criteria: ACMG Guidelines, 2015. Collection method: clinical testing. Allele origin: germline. Inheritance: Autosomal dominant inheritance. Observed: 1 variant allele, 1 heterozygote.
Comment: This study involves interpretation of variants in research participants for the purpose of population health screening. Participant phenotype was not available at the time of variant classification. Additional details can be found in publication PMID: 35346344, PMCID: PMC8962531

Women's Health and Genetics/Laboratory Corporation of America, LabCorp
Classification: Uncertain significance. Last evaluated: 2024-04-14. Review status: criteria provided, single submitter. Criteria: LabCorp Variant Classification Summary - May 2015. Collection method: clinical testing. Allele origin: germline.

University of Washington Department of Laboratory Medicine, University of Washington
Classification: Likely benign for Hereditary cancer-predisposing syndrome. Last evaluated: 2023-03-23. Review status: criteria provided, single submitter. Criteria: Dines et al. (Genet Med. 2020). Collection method: curation. Allele origin: germline.
Comment: Missense variant in a coldspot region where missense variants are very unlikely to be pathogenic (PMID:31911673).

BRCA2 exon 11 coldspot. Reclassification based on statistical prior probability.

GeneDx
Classification: Uncertain significance. Last evaluated: 2017-05-08. Review status: criteria provided, single submitter. Criteria: GeneDx Variant Classification (06012015). Collection method: clinical testing. Allele origin: germline. Affected: yes.
Comment: This variant is denoted BRCA2 c.6833T>G at the cDNA level, p.Ile2278Ser (I2278S) at the protein level, and results in the change of an Isoleucine to a Serine (ATC>AGC). Using alternate nomenclature, this variant would be defined as BRCA2 7061T>G. This variant has not, to our knowledge, been published in the literature as pathogenic or benign. BRCA2 Ile2278Ser was not observed in large population cohorts (NHLBI Exome Sequencing Project, The 1000 Genomes Consortium 2015, Lek 2016). Since Isoleucine and Serine differ in polarity, charge, size or other properties, this is considered a non-conservative amino acid substitution. BRCA2 Ile2278Ser occurs at a position that is not conserved and is not located in a known functional domain. In silico analyses predict that this variant is unlikely to alter protein structure or function. Based on currently available evidence, it is unclear whether BRCA2 Ile2278Ser is a pathogenic or benign variant. We consider it to be a variant of uncertain significance.